The following is an entry in ClinVar:

NM_001134363.3(RBM20):c.1590C>A (p.Cys530Ter)

Gene: RBM20 (RNA binding motif protein 20; plus strand). Cytogenetic location: 10q25.2.
Variant type: single nucleotide variant.
Coding change: c.1590C>A on transcript NM_001134363.3 (MANE Select); coding-DNA position 1590, C replaced by A.
Protein change: p.Cys530Ter; replaces cysteine 530 with a stop codon.
Molecular consequence: nonsense.
Genome position (GRCh38, 1-based): chr10:110,797,570, C>A. VCF-style: chr10-110797570-C-A. GRCh37 (hg19) VCF-style: chr10-112557328-C-A.
Other names: short protein forms C530*.
Identifiers: ClinVar variation 1493612 (VCV001493612.6), dbSNP rs2135073795, ClinGen allele CA378390065.
Genomic context (GRCh38, chr10:110,797,570, plus strand): 5'-TGCACAGCGGAAAGGGGCTGGCCGTGTGGTGCACATCTGCAATCTCCCTGAAGGAAGCTG[C>A]ACTGAGAATGACGTCATTAACCTGGGGCTGCCCTTTGGAAAGGTCACTAATTACATCCTC-3'

ClinVar aggregate classification (germline): Pathogenic (1 of 4 stars; one submission).

Conditions:
Dilated cardiomyopathy 1DD (CMD1DD). Identifiers: Orphanet 154, MedGen C2750995, MONDO:0013168, OMIM 613172.

Submission:

Labcorp Genetics (formerly Invitae), Labcorp
Classification: Pathogenic for Dilated cardiomyopathy 1DD. Last evaluated: 2025-11-21. Review status: criteria provided, single submitter. Criteria: Invitae Variant Classification Sherloc (09022015). Collection method: clinical testing. Allele origin: germline.
Comment: This sequence change creates a premature translational stop signal (p.Cys530*) in the RBM20 gene. It is expected to result in an absent or disrupted protein product. Loss-of-function variants in RBM20 are known to be pathogenic (PMID: 20590677, 22004663, 38288598, 38510713, 40339755). This variant is not present in population databases (gnomAD no frequency). This variant has not been reported in the literature in individuals affected with RBM20-related conditions. ClinVar contains an entry for this variant (Variation ID: 1493612). For these reasons, this variant has been classified as Pathogenic.

Literature cited by the submitters: PubMed 20590677; PubMed 22004663; PubMed 38288598; PubMed 38510713; PubMed 40339755.